The following is an entry in ClinVar:

ClinVar aggregate classification (germline): Benign. Review status: criteria provided, multiple submitters, no conflicts (2 of 4 stars). 2 submissions from 2 submitters: Benign (2). Last evaluated 2018-06-14.

Allele frequency attached by ClinVar (database versions not stated): 1000 Genomes Project 30x 0.37804; 1000 Genomes Project 0.37919; gnomAD 0.39004 and 0.39454; TOPMed 0.40113; gnomAD exomes 0.40784.
gnomAD v4.1: 112,040 of 280,490 alleles (40%); highest among the groups gnomAD compares: East Asian, 48%; 22,081 homozygotes.

Submissions (2):

GeneDx
Classification: Benign. Last evaluated: 2018-06-14. Review status: criteria provided, single submitter. Criteria: GeneDx Variant Classification (06012015). Collection method: clinical testing. Allele origin: germline. Affected: yes.
Comment: This variant is considered likely benign or benign based on one or more of the following criteria: it is a conservative change, it occurs at a poorly conserved position in the protein, it is predicted to be benign by multiple in silico algorithms, and/or has population frequency not consistent with disease.

Breakthrough Genomics
Classification: Benign. Review status: criteria provided, single submitter. Criteria: ACMG Guidelines, 2015. Collection method: not provided. Allele origin: germline. Inheritance: Autosomal dominant inheritance. Affected: yes.

NM_005359.6(SMAD4):c.1447+257T>C

Gene: SMAD4 (SMAD family member 4; plus strand). Cytogenetic location: 18q21.2.
Variant type: single nucleotide variant.
Coding change: c.1447+257T>C on transcript NM_005359.6 (MANE Select); 257 bases into the intron after coding-DNA position 1447, T replaced by C.
Molecular consequence: intron variant.
Genome position (GRCh38, 1-based): chr18:51,077,033, T>C. VCF-style: chr18-51077033-T-C. GRCh37 (hg19) VCF-style: chr18-48603403-T-C.
Identifiers: ClinVar variation 680785 (VCV000680785.2), dbSNP rs2298617, ClinGen allele CA15919113.
Genomic context (GRCh38, chr18:51,077,033, plus strand): 5'-GTATCAAAAATGGAGTATGGGATGAAGGAGAAAGGGGATGATTATTATATTATACTGTTC[T>C]ATCTCCTCCTTTTTTGTTGATGCTTATTATAATTCTGCCTCACCAGCCAGGGTGGGTTGT-3'